The following is an entry in ClinVar:

NM_005909.5(MAP1B):c.4612G>A (p.Val1538Ile)

Gene: MAP1B (microtubule associated protein 1B; plus strand). Cytogenetic location: 5q13.2.
Variant type: single nucleotide variant.
Coding change: c.4612G>A on transcript NM_005909.5 (MANE Select); coding-DNA position 4612, G replaced by A.
Protein change: p.Val1538Ile; replaces valine 1538 with isoleucine.
Molecular consequence: missense variant.
Genome position (GRCh38, 1-based): chr5:72,197,967, G>A. VCF-style: chr5-72197967-G-A. GRCh37 (hg19) VCF-style: chr5-71493794-G-A.
Other names: c.4234G>A, p.Val1412Ile (NM_001324255.2); short protein forms V1412I, V1538I.
Identifiers: ClinVar variation 2634330 (VCV002634330.2), dbSNP rs375302256, ClinGen allele CA3299186.

ClinVar aggregate classification (germline): Uncertain significance (1 of 4 stars; one submission).

Conditions:
MAP1B-related disorder. Also called: MAP1B-related condition.

Allele frequency attached by ClinVar (database versions not stated): ExAC 0.00003; TOPMed 0.00006; ESP Exome Variant Server 0.00008; gnomAD 0.00009.
gnomAD v4.1: 221 of 1,614,090 alleles (0.014%); highest among the groups gnomAD compares: Non-Finnish European, 0.018%; no homozygotes.

Submission:

PreventionGenetics, part of Exact Sciences
Classification: Uncertain significance for MAP1B-related condition. Last evaluated: 2026-06-11. Review status: criteria provided, single submitter. Criteria: ACMG Guidelines, 2015. Collection method: clinical testing. Allele origin: germline.
Comment: The MAP1B c.4612G>A variant is predicted to result in the amino acid substitution p.Val1538Ile. To our knowledge, this variant has not been reported in the literature associated with periventricular nodular heterotopia 9. This variant is reported in 0.0077% of alleles in individuals of European (Non-Finnish) descent in gnomAD. At this time, the clinical significance of this variant is uncertain due to the absence of conclusive functional and genetic evidence.